The following is an entry in ClinVar:

ClinVar aggregate classification (germline): Uncertain significance (1 of 4 stars; one submission).

Conditions:
Charcot-Marie-Tooth disease type 2. Also called: Charcot-Marie-Tooth type 2. Identifiers: Orphanet 64746, MedGen C0270914, MONDO:0018993.

Submission:

Labcorp Genetics (formerly Invitae), Labcorp
Classification: Uncertain significance for Charcot-Marie-Tooth disease type 2. Last evaluated: 2025-04-17. Review status: criteria provided, single submitter. Criteria: Invitae Variant Classification Sherloc (09022015). Collection method: clinical testing. Allele origin: germline.
Comment: This sequence change replaces aspartic acid, which is acidic and polar, with asparagine, which is neutral and polar, at codon 725 of the MFN2 protein (p.Asp725Asn). This variant is not present in population databases (gnomAD no frequency). This variant has not been reported in the literature in individuals affected with MFN2-related conditions. Invitae Evidence Modeling of protein sequence and biophysical properties (such as structural, functional, and spatial information, amino acid conservation, physicochemical variation, residue mobility, and thermodynamic stability) indicates that this missense variant is not expected to disrupt MFN2 protein function with a negative predictive value of 80%. In summary, the available evidence is currently insufficient to determine the role of this variant in disease. Therefore, it has been classified as a Variant of Uncertain Significance.

NM_014874.4(MFN2):c.2173G>A (p.Asp725Asn)

Gene: MFN2 (mitofusin 2; plus strand). Cytogenetic location: 1p36.22.
Variant type: single nucleotide variant.
Coding change: c.2173G>A on transcript NM_014874.4 (MANE Select); coding-DNA position 2173, G replaced by A.
Protein change: p.Asp725Asn; replaces aspartic acid 725 with asparagine.
Molecular consequence: missense variant.
Genome position (GRCh38, 1-based): chr1:12,009,695, G>A. VCF-style: chr1-12009695-G-A. GRCh37 (hg19) VCF-style: chr1-12069752-G-A.
Other names: c.2173G>A, p.Asp725Asn (NM_001127660.2); short protein forms D725N.
Identifiers: ClinVar variation 4691442 (VCV004691442.1).